The following is an entry in ClinVar:

ClinVar aggregate classification (germline): Likely benign (0 of 4 stars; one submission).

Conditions:
SEMA3F-related disorder. Also called: SEMA3F-related condition.

gnomAD v4.1: 1 of 1,614,072 alleles (0.000062%); no homozygotes.

Submission:

PreventionGenetics, part of Exact Sciences
Classification: Likely benign for SEMA3F-related condition. Last evaluated: 2024-09-18. Review status: no assertion criteria provided. Collection method: clinical testing. Allele origin: germline.
Comment: This variant is classified as likely benign based on ACMG/AMP sequence variant interpretation guidelines (Richards et al. 2015 PMID: 25741868, with internal and published modifications).

NM_004186.5(SEMA3F):c.648G>A (p.Glu216=)

Gene: SEMA3F (semaphorin 3F; plus strand). Cytogenetic location: 3p21.31.
Variant type: single nucleotide variant.
Coding change: c.648G>A on transcript NM_004186.5 (MANE Select); coding-DNA position 648, G replaced by A.
Protein change: p.Glu216=; no amino-acid change (glutamic acid 216 retained).
Molecular consequence: synonymous variant.
Genome position (GRCh38, 1-based): chr3:50,182,288, G>A. VCF-style: chr3-50182288-G-A. GRCh37 (hg19) VCF-style: chr3-50219721-G-A.
Other names: c.351G>A, p.Glu117= (NM_001318798.2); c.555G>A, p.Glu185= (NM_001318800.2).
Identifiers: ClinVar variation 3348833 (VCV003348833.1).